The following is an entry in ClinVar:

NM_020336.4(RALGAPB):c.3955C>T (p.Leu1319Phe)

Gene: RALGAPB (Ral GTPase activating protein non-catalytic subunit beta; plus strand). Cytogenetic location: 20q11.23.
Variant type: single nucleotide variant.
Coding change: c.3955C>T on transcript NM_020336.4 (MANE Select); coding-DNA position 3955, C replaced by T.
Protein change: p.Leu1319Phe; replaces leucine 1319 with phenylalanine.
Molecular consequence: missense variant.
Genome position (GRCh38, 1-based): chr20:38,569,888, C>T. VCF-style: chr20-38569888-C-T. GRCh37 (hg19) VCF-style: chr20-37198531-C-T.
Other names: c.3955C>T, p.Leu1319Phe (NM_001282917.2); c.3946C>T, p.Leu1316Phe (NM_001282918.2); short protein forms L1316F, L1319F.
Identifiers: ClinVar variation 4978709 (VCV004978709.1).

ClinVar aggregate classification (germline): Uncertain significance (1 of 4 stars; one submission).

Conditions:
RALGAPB-related disorder. Also called: RALGAPB-related condition.

Submission:

PreventionGenetics, part of Exact Sciences
Classification: Uncertain significance for RALGAPB-related condition. Last evaluated: 2025-09-11. Review status: criteria provided, single submitter. Criteria: ACMG Guidelines, 2015. Collection method: clinical testing. Allele origin: germline.
Comment: The RALGAPB c.3955C>T variant is predicted to result in the amino acid substitution p.Leu1319Phe. To our knowledge, this variant has not been reported in the literature or in a large population database (gnomAD), indicating this variant is rare. At this time, the clinical significance of this variant is uncertain due to the absence of conclusive functional and genetic evidence.